The following is an entry in ClinVar:

ClinVar aggregate classification (germline): Pathogenic (1 of 4 stars; one submission).

Conditions:
Hereditary cancer-predisposing syndrome. Also called: Neoplastic Syndromes, Hereditary; Tumor predisposition; Hereditary neoplastic syndrome; Hereditary Cancer Syndrome. Identifiers: Orphanet 140162, MedGen C0027672, MeSH D009386, MONDO:0015356.

Submission:

Ambry Genetics
Classification: Pathogenic for Hereditary cancer-predisposing syndrome. Last evaluated: 2024-03-07. Review status: criteria provided, single submitter. Criteria: Ambry Variant Classification Scheme 2023. Collection method: clinical testing. Allele origin: germline.
Comment: The c.2472_2473delAA pathogenic mutation, located in coding exon 23 of the RB1 gene, results from a deletion of two nucleotides at nucleotide positions 2472 to 2473, causing a translational frameshift with a predicted alternate stop codon (p.K824Nfs*13). This alteration is expected to result in loss of function by premature protein truncation or nonsense-mediated mRNA decay. As such, this alteration is interpreted as a disease-causing mutation.

NM_000321.3(RB1):c.2472_2473del (p.Lys824fs)

Gene: RB1 (RB transcriptional corepressor 1; plus strand). Cytogenetic location: 13q14.2.
Variant type: Deletion.
Coding change: c.2472_2473del on transcript NM_000321.3 (MANE Select); coding-DNA positions 2472 to 2473, 2 bases deleted (AA; older notation c.2472_2473delAA).
Protein change: p.Lys824fs; shifts the reading frame from lysine 824.
Molecular consequence: frameshift variant.
Genome position (GRCh38, 1-based): chr13:48,465,351-48,465,352, AA deleted; deleting any 2 consecutive bases within chr13:48,465,348-48,465,352 gives the same sequence; the c. name uses the placement nearest the transcript's 3' end. VCF-style (leftmost placement, unchanged base first): chr13-48465347-CAA-C. GRCh37 (hg19) VCF-style: chr13-49039483-CAA-C.
Other names: c.2472_2473del, p.Lys824fs (NM_001407165.1); short protein forms K824fs.
Identifiers: ClinVar variation 3231224 (VCV003231224.1), dbSNP rs1593539538, ClinGen allele CA2825002186.